The following is an entry in ClinVar:

ClinVar aggregate classification (germline): Uncertain significance (1 of 4 stars; one submission).

Conditions:
Short-rib thoracic dysplasia 11 with or without polydactyly (SRTD11). Also called: SHORT-RIB THORACIC DYSPLASIA 11 WITHOUT POLYDACTYLY. Identifiers: Orphanet 474, Orphanet 93271, MedGen C3810200, MONDO:0014287, OMIM 615633.

Allele frequency attached by ClinVar (database versions not stated): gnomAD exomes below 0.00001; gnomAD 0.00001.
gnomAD v4.1: 2 of 1,584,448 alleles (0.00013%); highest among the groups gnomAD compares: South Asian, 0.0011%; no homozygotes.

Submission:

Labcorp Genetics (formerly Invitae), Labcorp
Classification: Uncertain significance for Short-rib thoracic dysplasia 11 with or without polydactyly. Last evaluated: 2022-05-05. Review status: criteria provided, single submitter. Criteria: Invitae Variant Classification Sherloc (09022015). Collection method: clinical testing. Allele origin: germline.
Comment: In summary, the available evidence is currently insufficient to determine the role of this variant in disease. Therefore, it has been classified as a Variant of Uncertain Significance. Algorithms developed to predict the effect of missense changes on protein structure and function are either unavailable or do not agree on the potential impact of this missense change (SIFT: "Deleterious"; PolyPhen-2: "Benign"; Align-GVGD: "Class C0"). This variant has not been reported in the literature in individuals affected with WDR34-related conditions. This variant is not present in population databases (gnomAD no frequency). This sequence change replaces serine, which is neutral and polar, with proline, which is neutral and non-polar, at codon 397 of the WDR34 protein (p.Ser397Pro).

NM_052844.4(DYNC2I2):c.1189T>C (p.Ser397Pro)

Genes: DYNC2I2 (dynein 2 intermediate chain 2; minus strand), LOC126860772 (CDK7 strongly-dependent group 2 enhancer GRCh37_chr9:131396972-131398171; plus strand). Cytogenetic location: 9q34.11.
Variant type: single nucleotide variant.
Coding change: c.1189T>C on transcript NM_052844.4 (MANE Select); coding-DNA position 1189, T replaced by C.
Protein change: p.Ser397Pro; replaces serine 397 with proline.
Molecular consequence: missense variant.
Genome position (GRCh38, 1-based): chr9:128,634,714, A>G on the plus strand (T>C on the coding strand, the complement: DYNC2I2 is on the minus strand). VCF-style: chr9-128634714-A-G. GRCh37 (hg19) VCF-style: chr9-131396993-A-G.
Other names: short protein forms S397P.
Identifiers: ClinVar variation 2132318 (VCV002132318.4), dbSNP rs2132138514, ClinGen allele CA375111980.